The following is an entry in ClinVar:

ClinVar aggregate classification (germline): Uncertain significance. Review status: criteria provided, multiple submitters, no conflicts (2 of 4 stars). 2 submissions from 2 submitters: Uncertain significance (2). Last evaluated 2023-08-10.

Conditions:
Immunodeficiency, common variable, 12 (CVID12). Also called: IMMUNODEFICIENCY, COMMON VARIABLE, 12, WITH AUTOIMMUNITY; NFKB1 DEFICIENCY. Identifiers: Orphanet 1572, Orphanet 696874, MedGen C4225277, MONDO:0014697, OMIM 616576.

Submissions (2):

Labcorp Genetics (formerly Invitae), Labcorp
Classification: Uncertain significance. Last evaluated: 2023-08-10. Review status: criteria provided, single submitter. Criteria: Invitae Variant Classification Sherloc (09022015). Collection method: clinical testing. Allele origin: germline.
Comment: In summary, the available evidence is currently insufficient to determine the role of this variant in disease. Therefore, it has been classified as a Variant of Uncertain Significance. Advanced modeling of protein sequence and biophysical properties (such as structural, functional, and spatial information, amino acid conservation, physicochemical variation, residue mobility, and thermodynamic stability) performed at Invitae indicates that this missense variant is expected to disrupt NFKB1 protein function. ClinVar contains an entry for this variant (Variation ID: 1328169). This variant has not been reported in the literature in individuals affected with NFKB1-related conditions. This variant is not present in population databases (gnomAD no frequency). This sequence change replaces aspartic acid, which is acidic and polar, with histidine, which is basic and polar, at codon 242 of the NFKB1 protein (p.Asp242His).

Illumina Laboratory Services, Illumina
Classification: Uncertain significance for Immunodeficiency, common variable, 12. Last evaluated: 2021-11-19. Review status: criteria provided, single submitter. Criteria: ICSLVariantClassificationCriteria RUGD 01 April 2020. Collection method: clinical testing. Allele origin: unknown.
Comment: The NFKB1 c.724G>C (p.Asp242His) variant is a missense variant. A literature search was performed for the gene, cDNA change, and amino acid change. No publications were found based on this search. This variant is not found in the Genome Aggregation Database in a region of good sequence coverage (version 2.1.1 or version 3.1.2), so the variant is presumed to be rare. Based on the limited evidence, the p.Asp242His variant is classified as a variant of uncertain significance for common variable immunodeficiency.

NM_003998.4(NFKB1):c.724G>C (p.Asp242His)

Gene: NFKB1 (nuclear factor kappa B subunit 1; plus strand). Cytogenetic location: 4q24.
Variant type: single nucleotide variant.
Coding change: c.724G>C on transcript NM_003998.4 (MANE Select); coding-DNA position 724, G replaced by C.
Protein change: p.Asp242His; replaces aspartic acid 242 with histidine.
Molecular consequence: missense variant.
Genome position (GRCh38, 1-based): chr4:102,579,033, G>C. VCF-style: chr4-102579033-G-C. GRCh37 (hg19) VCF-style: chr4-103500190-G-C.
Other names: c.721G>C, p.Asp241His (NM_001165412.2, NM_001319226.2, NM_001382627.1); c.724G>C, p.Asp242His (NM_001382625.1, NM_001382626.1); c.682G>C, p.Asp228His (NM_001382628.1); short protein forms D228H, D241H, D242H.
Identifiers: ClinVar variation 1328169 (VCV001328169.11), dbSNP rs2149184850, ClinGen allele CA357959796.
Genomic context (GRCh38, chr4:102,579,033, plus strand): 5'-CCGGATAGCACTGGCAGCTTCACAAGGCGCCTGGAACCCGTGGTATCAGACGCCATCTAT[G>C]ACAGTAGTGAGTACTTCACTTCCAACAGGGGGCACACCAAGAATAGACTTCCAGCCCTGC-3'
Protein context (NP_003989.2, residues 232-252): LEPVVSDAIY[Asp242His]SKAPNASNLK